The following is an entry in ClinVar:

NM_145290.4(ADGRA3):c.3739C>T (p.Pro1247Ser)

Gene: ADGRA3 (adhesion G protein-coupled receptor A3; minus strand). Cytogenetic location: 4p15.2.
Variant type: single nucleotide variant.
Coding change: c.3739C>T on transcript NM_145290.4 (MANE Select); coding-DNA position 3739, C replaced by T.
Protein change: p.Pro1247Ser; replaces proline 1247 with serine.
Molecular consequence: missense variant.
Genome position (GRCh38, 1-based): chr4:22,387,932, G>A on the plus strand (C>T on the coding strand, the complement: ADGRA3 is on the minus strand). VCF-style: chr4-22387932-G-A. GRCh37 (hg19) VCF-style: chr4-22389555-G-A.
Other names: short protein forms P1247S.
Identifiers: ClinVar variation 1933670 (VCV001933670.5), dbSNP rs1713911137, ClinGen allele CA356471790.

ClinVar aggregate classification (germline): Uncertain significance (1 of 4 stars; one submission).

Submission:

Labcorp Genetics (formerly Invitae), Labcorp
Classification: Uncertain significance. Last evaluated: 2022-03-19. Review status: criteria provided, single submitter. Criteria: Invitae Variant Classification Sherloc (09022015). Collection method: clinical testing. Allele origin: germline.
Comment: This sequence change replaces proline, which is neutral and non-polar, with serine, which is neutral and polar, at codon 1247 of the ADGRA3 protein (p.Pro1247Ser). This variant is not present in population databases (gnomAD no frequency). This variant has not been reported in the literature in individuals affected with ADGRA3-related conditions. Algorithms developed to predict the effect of missense changes on protein structure and function are either unavailable or do not agree on the potential impact of this missense change (SIFT: "Tolerated"; PolyPhen-2: "Possibly Damaging"; Align-GVGD: "Class C0"). In summary, the available evidence is currently insufficient to determine the role of this variant in disease. Therefore, it has been classified as a Variant of Uncertain Significance.